The following is an entry in ClinVar:

NM_014714.4(IFT140):c.3372G>A (p.Ala1124=)

Gene: IFT140 (intraflagellar transport 140; minus strand). Cytogenetic location: 16p13.3.
Variant type: single nucleotide variant.
Coding change: c.3372G>A on transcript NM_014714.4 (MANE Select); coding-DNA position 3372, G replaced by A.
Protein change: p.Ala1124=; no amino-acid change (alanine 1124 retained).
Molecular consequence: synonymous variant.
Genome position (GRCh38, 1-based): chr16:1,523,599, C>T on the plus strand (G>A on the coding strand, the complement: IFT140 is on the minus strand). VCF-style: chr16-1523599-C-T. GRCh37 (hg19) VCF-style: chr16-1573600-C-T.
Identifiers: ClinVar variation 2193453 (VCV002193453.15), dbSNP rs1173043770, ClinGen allele CA493031862.

ClinVar aggregate classification (germline): Likely benign. Review status: criteria provided, multiple submitters, no conflicts (2 of 4 stars). 3 submissions from 3 submitters: Likely benign (3). Last evaluated 2025-05-01.

Conditions:
Saldino-Mainzer syndrome (SRTD9). Also called: CONORENAL SYNDROME; Renal dysplasia, retinal pigmentary dystrophy, cerebellar ataxia and skeletal dysplasia; short-rib thoracic dysplasia 9 with or without polydactyly; SHORT-RIB THORACIC DYSPLASIA 9 WITHOUT POLYDACTYLY. Identifiers: Orphanet 140969, MedGen C1849437, MONDO:0009964, OMIM 266920.

Allele frequency attached by ClinVar (database versions not stated): gnomAD 0.00001.
gnomAD v4.1: 13 of 1,613,802 alleles (0.00081%); highest among the groups gnomAD compares: East Asian, 0.0022%; no homozygotes.

Submissions (3):

CeGaT Center for Human Genetics Tuebingen
Classification: Likely benign. Last evaluated: 2025-05-01. Review status: criteria provided, single submitter. Criteria: CeGaT Center For Human Genetics Tuebingen Variant Classification Criteria Version 2. Collection method: clinical testing. Allele origin: germline. Affected: yes. Observed: 1 variant allele.
Comment: IFT140: BP4, BP7

Labcorp Genetics (formerly Invitae), Labcorp
Classification: Likely benign for Saldino-Mainzer syndrome. Last evaluated: 2024-06-05. Review status: criteria provided, single submitter. Criteria: Invitae Variant Classification Sherloc (09022015). Collection method: clinical testing. Allele origin: germline.

Blueprint Genetics
Classification: Likely benign. Last evaluated: 2024-02-13. Review status: criteria provided, single submitter. Criteria: ACMG Guidelines, 2015. Collection method: clinical testing. Allele origin: germline.